The following is an entry in ClinVar:

NM_001376.5(DYNC1H1):c.11802G>A (p.Ala3934=)

Gene: DYNC1H1 (dynein cytoplasmic 1 heavy chain 1; plus strand). Cytogenetic location: 14q32.31.
Variant type: single nucleotide variant.
Coding change: c.11802G>A on transcript NM_001376.5 (MANE Select); coding-DNA position 11802, G replaced by A.
Protein change: p.Ala3934=; no amino-acid change (alanine 3934 retained).
Molecular consequence: synonymous variant.
Genome position (GRCh38, 1-based): chr14:102,040,347, G>A. VCF-style: chr14-102040347-G-A. GRCh37 (hg19) VCF-style: chr14-102506684-G-A.
Identifiers: ClinVar variation 753529 (VCV000753529.11), dbSNP rs151307859, ClinGen allele CA7353725.

ClinVar aggregate classification (germline): Likely benign. Review status: criteria provided, multiple submitters, no conflicts (2 of 4 stars). 3 submissions from 3 submitters: Likely benign (3). Last evaluated 2025-11-05.

Conditions:
DYNC1H1-related disorder. Also called: DYNC1H1-related disorders; DYNC1H1-related condition. Identifiers: MedGen CN381529.
Charcot-Marie-Tooth disease axonal type 2O. Also called: CHARCOT-MARIE-TOOTH NEUROPATHY, AXONAL, TYPE 2O; CHARCOT-MARIE-TOOTH DISEASE, AXONAL, AUTOSOMAL DOMINANT, TYPE 2O; Charcot-Marie-Tooth Neuropathy Type 2O; Charcot-Marie-Tooth disease, axonal, type 20. Identifiers: Orphanet 284232, MedGen C3280220, MONDO:0013644, OMIM 614228.
Inborn genetic diseases. Identifiers: MedGen C0950123, MeSH D030342.

Allele frequency attached by ClinVar (database versions not stated): TOPMed 0.00002.
gnomAD v4.1: 43 of 1,614,080 alleles (0.0027%); highest among the groups gnomAD compares: Admixed American, 0.005%; no homozygotes.

Submissions (3):

Labcorp Genetics (formerly Invitae), Labcorp
Classification: Likely benign for Charcot-Marie-Tooth disease axonal type 2O. Last evaluated: 2025-11-05. Review status: criteria provided, single submitter. Criteria: Invitae Variant Classification Sherloc (09022015). Collection method: clinical testing. Allele origin: germline.

PreventionGenetics, part of Exact Sciences
Classification: Likely benign for DYNC1H1-related condition. Last evaluated: 2025-06-26. Review status: criteria provided, single submitter. Criteria: ACMG Guidelines, 2015. Collection method: clinical testing. Allele origin: germline.
Comment: This variant is classified as likely benign based on ACMG/AMP sequence variant interpretation guidelines (Richards et al. 2015 PMID: 25741868, with internal and published modifications).

Ambry Genetics
Classification: Likely benign for Inborn genetic diseases. Last evaluated: 2018-01-19. Review status: criteria provided, single submitter. Criteria: Ambry Variant Classification Scheme 2023. Collection method: clinical testing. Allele origin: germline.